The following is an entry in ClinVar:

NM_001363711.2(DUOX2):c.4624A>G (p.Met1542Val)

Gene: DUOX2 (dual oxidase 2; minus strand). Cytogenetic location: 15q21.1.
Variant type: single nucleotide variant.
Coding change: c.4624A>G on transcript NM_001363711.2 (MANE Select); coding-DNA position 4624, A replaced by G.
Protein change: p.Met1542Val; replaces methionine 1542 with valine.
Molecular consequence: missense variant.
Genome position (GRCh38, 1-based): chr15:45,094,173, T>C on the plus strand (A>G on the coding strand, the complement: DUOX2 is on the minus strand). VCF-style: chr15-45094173-T-C. GRCh37 (hg19) VCF-style: chr15-45386371-T-C.
Other names: c.4624A>G, p.Met1542Val (NM_014080.5); short protein forms M1542V.
Identifiers: ClinVar variation 3636594 (VCV003636594.2).

ClinVar aggregate classification (germline): Uncertain significance (1 of 4 stars; one submission).

Submission:

Labcorp Genetics (formerly Invitae), Labcorp
Classification: Uncertain significance. Last evaluated: 2024-12-04. Review status: criteria provided, single submitter. Criteria: Invitae Variant Classification Sherloc (09022015). Collection method: clinical testing. Allele origin: germline.
Comment: This sequence change replaces methionine, which is neutral and non-polar, with valine, which is neutral and non-polar, at codon 1542 of the DUOX2 protein (p.Met1542Val). This variant is not present in population databases (gnomAD no frequency). This variant has not been reported in the literature in individuals affected with DUOX2-related conditions. Invitae Evidence Modeling of protein sequence and biophysical properties (such as structural, functional, and spatial information, amino acid conservation, physicochemical variation, residue mobility, and thermodynamic stability) indicates that this missense variant is not expected to disrupt DUOX2 protein function with a negative predictive value of 95%. In summary, the available evidence is currently insufficient to determine the role of this variant in disease. Therefore, it has been classified as a Variant of Uncertain Significance.